The following is an entry in ClinVar:

NM_206933.4(USH2A):c.5885G>A (p.Arg1962Lys)

Gene: USH2A (usherin; minus strand). Cytogenetic location: 1q41.
Variant type: single nucleotide variant.
Coding change: c.5885G>A on transcript NM_206933.4 (MANE Select); coding-DNA position 5885, G replaced by A.
Protein change: p.Arg1962Lys; replaces arginine 1962 with lysine.
Molecular consequence: missense variant.
Genome position (GRCh38, 1-based): chr1:216,070,265, C>T on the plus strand (G>A on the coding strand, the complement: USH2A is on the minus strand). VCF-style: chr1-216070265-C-T. GRCh37 (hg19) VCF-style: chr1-216243607-C-T.
Other names: short protein forms R1962K.
Identifiers: ClinVar variation 5008991 (VCV005008991.1).

ClinVar aggregate classification (germline): Uncertain significance (1 of 4 stars; one submission).

gnomAD v4.1: 7 of 1,613,918 alleles (0.00043%); highest among the groups gnomAD compares: Non-Finnish European, 0.00059%; no homozygotes.

Submission:

GeneDx
Classification: Uncertain significance. Last evaluated: 2026-03-13. Review status: criteria provided, single submitter. Criteria: GeneDx Variant Classification Process June 2021. Collection method: clinical testing. Allele origin: germline.
Comment: Not observed at significant frequency in large population cohorts (gnomAD); In silico analysis suggests that this missense variant does not alter protein structure/function; Has not been previously published as pathogenic or benign to our knowledge